The following is an entry in ClinVar:

NM_014425.5(INVS):c.1787A>G (p.Lys596Arg)

Gene: INVS (inversin; plus strand). Cytogenetic location: 9q31.1.
Variant type: single nucleotide variant.
Coding change: c.1787A>G on transcript NM_014425.5 (MANE Select); coding-DNA position 1787, A replaced by G.
Protein change: p.Lys596Arg; replaces lysine 596 with arginine.
Molecular consequence: missense variant. On other transcripts: non-coding transcript variant (1).
Genome position (GRCh38, 1-based): chr9:100,284,322, A>G. VCF-style: chr9-100284322-A-G. GRCh37 (hg19) VCF-style: chr9-103046604-A-G.
Other names: c.1499A>G, p.Lys500Arg (NM_001318381.2); c.809A>G, p.Lys270Arg (NM_001318382.2); short protein forms K270R, K596R, K500R.
Identifiers: ClinVar variation 1385733 (VCV001385733.6), dbSNP rs751587570, ClinGen allele CA5158492.

ClinVar aggregate classification (germline): Conflicting classifications of pathogenicity. Review status: criteria provided, conflicting classifications (1 of 4 stars). 3 submissions from 3 submitters: Uncertain significance (2); Likely benign (1). Last evaluated 2024-06-03.

Conditions:
Nephronophthisis. Also called: Juvenile Nephronophthisis. Identifiers: Orphanet 655, MedGen C0687120, MONDO:0019005, HP:0000090.
Infantile nephronophthisis (NPHP2). Also called: Nephronophthisis 2; Nephronophthisis 2, infantile. Identifiers: Orphanet 655, Orphanet 93591, MedGen C1865872, MONDO:0011190, OMIM 602088.

Allele frequency attached by ClinVar (database versions not stated): gnomAD exomes 0.00002; ExAC 0.00003; TOPMed 0.00009; gnomAD 0.00011 and 0.00012.

Submissions (3):

Fulgent Genetics
Classification: Uncertain significance for Infantile nephronophthisis. Last evaluated: 2024-06-03. Review status: criteria provided, single submitter. Criteria: ACMG Guidelines, 2015. Collection method: clinical testing. Allele origin: germline.

Labcorp Genetics (formerly Invitae), Labcorp
Classification: Uncertain significance for Nephronophthisis. Last evaluated: 2022-07-25. Review status: criteria provided, single submitter. Criteria: Invitae Variant Classification Sherloc (09022015). Collection method: clinical testing. Allele origin: germline.
Comment: This sequence change replaces lysine, which is basic and polar, with arginine, which is basic and polar, at codon 596 of the INVS protein (p.Lys596Arg). This variant is present in population databases (rs751587570, gnomAD 0.05%). This variant has not been reported in the literature in individuals affected with INVS-related conditions. ClinVar contains an entry for this variant (Variation ID: 1385733). Algorithms developed to predict the effect of missense changes on protein structure and function are either unavailable or do not agree on the potential impact of this missense change (SIFT: "Deleterious"; PolyPhen-2: "Benign"; Align-GVGD: "Class C0"). Algorithms developed to predict the effect of sequence changes on RNA splicing suggest that this variant may disrupt the consensus splice site. In summary, the available evidence is currently insufficient to determine the role of this variant in disease. Therefore, it has been classified as a Variant of Uncertain Significance.

Blueprint Genetics
Classification: Likely benign. Last evaluated: 2018-05-11. Review status: criteria provided, single submitter. Criteria: ACMG Guidelines, 2015. Collection method: clinical testing. Allele origin: germline.